The following is an entry in ClinVar:

NM_000142.5(FGFR3):c.1450G>A (p.Gly484Ser)

Gene: FGFR3 (fibroblast growth factor receptor 3; plus strand). Cytogenetic location: 4p16.3.
Variant type: single nucleotide variant.
Coding change: c.1450G>A on transcript NM_000142.5 (MANE Select); coding-DNA position 1450, G replaced by A.
Protein change: p.Gly484Ser; replaces glycine 484 with serine.
Molecular consequence: missense variant. On other transcripts: non-coding transcript variant (1).
Genome position (GRCh38, 1-based): chr4:1,805,392, G>A. VCF-style: chr4-1805392-G-A. GRCh37 (hg19) VCF-style: chr4-1807119-G-A.
Other names: c.1456G>A, p.Gly486Ser (NM_001163213.2); c.1453G>A, p.Gly485Ser (NM_001354809.2, NM_001354810.2); c.1114G>A, p.Gly372Ser (NM_022965.4); short protein forms G372S, G484S, G485S, G486S.
Identifiers: ClinVar variation 1327391 (VCV001327391.3), dbSNP rs2108802167, ClinGen allele CA355980877.
Genomic context (GRCh38, chr4:1,805,392, plus strand): 5'-GGTCCCTCTGCCTCCACTGCCAGGCTGACCCTGGGCAAGCCCCTTGGGGAGGGCTGCTTC[G>A]GCCAGGTGGTCATGGCGGAGGCCATCGGCATTGACAAGGACCGGGCCGCCAAGCCTGTCA-3'
Protein context (NP_000133.1, residues 474-494): LGKPLGEGCF[Gly484Ser]QVVMAEAIGI

ClinVar aggregate classification (germline): Uncertain significance. Review status: criteria provided, multiple submitters, no conflicts (2 of 4 stars). 2 submissions from 2 submitters: Uncertain significance (2). Last evaluated 2026-06-23.

Conditions:
FGFR3-related chondrodysplasia. Identifiers: Orphanet 93420, MedGen C5681604, MONDO:0019685.

Submissions (2):

Genomenon, Inc
Classification: Uncertain significance for FGFR3-related chondrodysplasia. Last evaluated: 2026-06-23. Review status: criteria provided, single submitter. Criteria: Genomenon Sequence Variant Interpretation Standards - Updated. Collection method: curation. Allele origin: germline. Affected: no.
Comment: FGFR3 p.Gly484Ser (c.1450G>A) is a missense variant that changes the amino acid at codon 484 from Glycine to Serine. This variant has been reported in the published literature (PMID:39336818). It is absent or not present at a significant frequency in gnomAD. In silico models predict that this variant is possibly or probably damaging. In conclusion, we classify FGFR3 p.Gly484Ser (c.1450G>A) as a variant of uncertain significance.

GeneDx
Classification: Uncertain significance. Last evaluated: 2021-06-04. Review status: criteria provided, single submitter. Criteria: GeneDx Variant Classification Process June 2021. Collection method: clinical testing. Allele origin: germline. Affected: yes.
Comment: Not observed at significant frequency in large population cohorts (Lek et al., 2016); In silico analysis supports that this missense variant has a deleterious effect on protein structure/function; Has not been previously published as pathogenic or benign to our knowledge; This variant is associated with the following publications: (PMID: 27535533)

Literature cited by the submitters: PubMed 39336818 (cited by Genomenon, Inc).